The following is an entry in ClinVar:

ClinVar aggregate classification (germline): Uncertain significance (1 of 4 stars; one submission).

gnomAD v4.1: 9 of 1,613,906 alleles (0.00056%); highest among the groups gnomAD compares: Non-Finnish European, 0.00076%; no homozygotes.

Submission:

CeGaT Center for Human Genetics Tuebingen
Classification: Uncertain significance. Last evaluated: 2024-09-01. Review status: criteria provided, single submitter. Criteria: CeGaT Center For Human Genetics Tuebingen Variant Classification Criteria Version 2. Collection method: clinical testing. Allele origin: germline. Affected: yes. Observed: 1 variant allele.
Comment: HTT: PM2

NM_001388492.1(HTT):c.2459C>T (p.Ser820Phe)

Gene: HTT (huntingtin; plus strand). Cytogenetic location: 4p16.3.
Variant type: single nucleotide variant.
Coding change: c.2459C>T on transcript NM_001388492.1 (MANE Select); coding-DNA position 2459, C replaced by T.
Protein change: p.Ser820Phe; replaces serine 820 with phenylalanine.
Molecular consequence: missense variant.
Genome position (GRCh38, 1-based): chr4:3,132,877, C>T. VCF-style: chr4-3132877-C-T. GRCh37 (hg19) VCF-style: chr4-3134604-C-T.
Other names: c.2465C>T, p.Ser822Phe (NM_002111.8); short protein forms S820F, S822F.
Identifiers: ClinVar variation 3389231 (VCV003389231.14).